The following is an entry in ClinVar:

ClinVar aggregate classification (germline): Conflicting classifications of pathogenicity. Review status: criteria provided, conflicting classifications (1 of 4 stars). 4 submissions from 4 submitters: Uncertain significance (3); Benign (1). Last evaluated 2025-12-17.

Conditions:
Cardiovascular phenotype. Identifiers: MedGen CN230736.
Capillary malformation-arteriovenous malformation syndrome. Also called: Capillary malformation-arteriovenous malformation. Identifiers: Orphanet 137667, MedGen C1842180, MONDO:0012016.
Basal cell carcinoma, susceptibility to, 1. Also called: BCC1. Identifiers: MedGen C2751544, MONDO:0011556, OMIM 605462.
Capillary malformation-arteriovenous malformation 1 (CMAVM1). Identifiers: Orphanet 137667, Orphanet 693907, MedGen C4747394, MONDO:0020783, OMIM 608354.

Allele frequency attached by ClinVar (database versions not stated): gnomAD exomes 0.00008; ExAC 0.00012; gnomAD 0.00006 and 0.00008; TOPMed 0.00006; ESP Exome Variant Server 0.00015.
gnomAD v4.1: 141 of 1,613,986 alleles (0.0087%); highest among the groups gnomAD compares: Non-Finnish European, 0.011%; no homozygotes.

Submissions (4):

Labcorp Genetics (formerly Invitae), Labcorp
Classification: Uncertain significance for Capillary malformation-arteriovenous malformation syndrome. Last evaluated: 2025-12-17. Review status: criteria provided, single submitter. Criteria: Invitae Variant Classification Sherloc (09022015). Collection method: clinical testing. Allele origin: germline.
Comment: This sequence change replaces leucine, which is neutral and non-polar, with valine, which is neutral and non-polar, at codon 116 of the RASA1 protein (p.Leu116Val). This variant is present in population databases (rs149246093, gnomAD 0.02%). This variant has not been reported in the literature in individuals affected with RASA1-related conditions. ClinVar contains an entry for this variant (Variation ID: 967066). An algorithm developed to predict the effect of missense changes on protein structure and function (PolyPhen-2) suggests that this variant is likely to be tolerated. In summary, the available evidence is currently insufficient to determine the role of this variant in disease. Therefore, it has been classified as a Variant of Uncertain Significance.

GeneDx
Classification: Uncertain significance. Last evaluated: 2024-05-30. Review status: criteria provided, single submitter. Criteria: GeneDx Variant Classification Process June 2021. Collection method: clinical testing. Allele origin: germline. Affected: yes.
Comment: In silico analysis indicates that this missense variant does not alter protein structure/function; Identified in an individual with capillary malformation(s) (PMID: 29110021); This variant is associated with the following publications: (PMID: 29110021)

Ambry Genetics
Classification: Benign for Cardiovascular phenotype. Last evaluated: 2021-12-23. Review status: criteria provided, single submitter. Criteria: Ambry Variant Classification Scheme 2023. Collection method: clinical testing. Allele origin: germline.

Department of Pathology and Laboratory Medicine, Sinai Health System
Classification: Uncertain significance for Basal cell carcinoma, susceptibility to, 1; Capillary malformation-arteriovenous malformation 1. Last evaluated: 2021-11-16. Review status: criteria provided, single submitter. Criteria: ACMG Guidelines, 2015. Collection method: research. Allele origin: germline.

Literature cited by the submitters: PubMed 29110021 (cited by Ambry Genetics).

NM_002890.3(RASA1):c.346C>G (p.Leu116Val)

Gene: RASA1 (RAS p21 protein activator 1; plus strand). Cytogenetic location: 5q14.3.
Variant type: single nucleotide variant.
Coding change: c.346C>G on transcript NM_002890.3 (MANE Select); coding-DNA position 346, C replaced by G.
Protein change: p.Leu116Val; replaces leucine 116 with valine.
Molecular consequence: missense variant.
Genome position (GRCh38, 1-based): chr5:87,268,797, C>G. VCF-style: chr5-87268797-C-G. GRCh37 (hg19) VCF-style: chr5-86564614-C-G.
Other names: short protein forms L116V.
Identifiers: ClinVar variation 967066 (VCV000967066.12), dbSNP rs149246093, ClinGen allele CA3335405.